The following is an entry in ClinVar:

NM_002206.3(ITGA7):c.1567+1G>A

Gene: ITGA7 (integrin subunit alpha 7; minus strand). Cytogenetic location: 12q13.2.
Variant type: single nucleotide variant.
Coding change: c.1567+1G>A on transcript NM_002206.3 (MANE Select); the canonical splice donor site of the intron after coding-DNA position 1567, G replaced by A.
Molecular consequence: splice donor variant.
Genome position (GRCh38, 1-based): chr12:55,697,215, C>T on the plus strand (G>A on the coding strand, the complement: ITGA7 is on the minus strand). VCF-style: chr12-55697215-C-T. GRCh37 (hg19) VCF-style: chr12-56090999-C-T.
Other names: c.1288+1G>A (NM_001144997.2); c.1240+1G>A (NM_001367993.1); c.1228+1G>A (NM_001414035.1); c.1384+1G>A (NM_001414033.1); c.223+1G>A (NM_001367994.1); c.1447+1G>A (NM_001414032.1); c.1480+1G>A (NM_001414031.1); c.1567+1G>A (NM_001374465.1, NM_001414034.1); and 3 more.
Identifiers: ClinVar variation 538003 (VCV000538003.7), dbSNP rs1217190017, ClinGen allele CA385188679.

ClinVar aggregate classification (germline): Likely pathogenic (1 of 4 stars; one submission).

Conditions:
Congenital muscular dystrophy due to integrin alpha-7 deficiency. Also called: MYOPATHY, CONGENITAL, DUE TO INTEGRIN ALPHA-7 DEFICIENCY; Congenital muscular dystrophy with integrin alpha-7 deficiency; Muscular dystrophy, congenital, due to ITGA7 deficiency. Identifiers: Orphanet 34520, MedGen C2750786, MONDO:0013177, OMIM 613204.

Submission:

Labcorp Genetics (formerly Invitae), Labcorp
Classification: Likely pathogenic for Congenital muscular dystrophy due to integrin alpha-7 deficiency. Last evaluated: 2025-04-06. Review status: criteria provided, single submitter. Criteria: Invitae Variant Classification Sherloc (09022015). Collection method: clinical testing. Allele origin: germline.
Comment: This sequence change affects a donor splice site in intron 11 of the ITGA7 gene. It is expected to disrupt RNA splicing. Variants that disrupt the donor or acceptor splice site typically lead to a loss of protein function (PMID: 16199547), and loss-of-function variants in ITGA7 are known to be pathogenic (PMID: 9590299). This variant is not present in population databases (gnomAD no frequency). This variant has not been reported in the literature in individuals affected with ITGA7-related conditions. ClinVar contains an entry for this variant (Variation ID: 538003). Algorithms developed to predict the effect of sequence changes on RNA splicing suggest that this variant may disrupt the consensus splice site. In summary, the currently available evidence indicates that the variant is pathogenic, but additional data are needed to prove that conclusively. Therefore, this variant has been classified as Likely Pathogenic.

Literature cited by the submitters: PubMed 16199547; PubMed 9590299.